The following is an entry in ClinVar:

ClinVar aggregate classification (germline): Uncertain significance (1 of 4 stars; one submission).

gnomAD v4.1: 2 of 1,608,018 alleles (0.00012%); highest among the groups gnomAD compares: Non-Finnish European, 0.00017%; no homozygotes.

Submission:

GeneDx
Classification: Uncertain significance. Last evaluated: 2024-12-12. Review status: criteria provided, single submitter. Criteria: GeneDx Variant Classification Process June 2021. Collection method: clinical testing. Allele origin: germline. Affected: yes.
Comment: Not observed at significant frequency in large population cohorts (gnomAD); In silico analysis supports that this missense variant has a deleterious effect on protein structure/function; Has not been previously published as pathogenic or benign to our knowledge

NM_003412.4(ZIC1):c.396C>A (p.His132Gln)

Gene: ZIC1 (Zic family member 1; plus strand). Cytogenetic location: 3q24.
Variant type: single nucleotide variant.
Coding change: c.396C>A on transcript NM_003412.4 (MANE Select); coding-DNA position 396, C replaced by A.
Protein change: p.His132Gln; replaces histidine 132 with glutamine.
Molecular consequence: missense variant.
Genome position (GRCh38, 1-based): chr3:147,410,508, C>A. VCF-style: chr3-147410508-C-A. GRCh37 (hg19) VCF-style: chr3-147128295-C-A.
Other names: short protein forms H132Q.
Identifiers: ClinVar variation 3903065 (VCV003903065.1).